The following is an entry in ClinVar:

ClinVar aggregate classification (germline): Uncertain significance (1 of 4 stars; one submission).

Conditions:
Autosomal dominant nocturnal frontal lobe epilepsy 5. Also called: CILIARY DYSKINESIA, PRIMARY, 28, WITH SITUS INVERSUS; KCNT1-Related Epilepsy; CILIARY DYSKINESIA, PRIMARY, 28, WITHOUT SITUS INVERSUS; Epilepsy, nocturnal frontal lobe, 5. Identifiers: Orphanet 98784, MedGen C3554306, MONDO:0014002, OMIM 615005.
Developmental and epileptic encephalopathy, 14 (DEE14). Also called: Early infantile epileptic encephalopathy 14. Identifiers: Orphanet 293181, MedGen C3554195, MONDO:0013989, OMIM 614959.

Allele frequency attached by ClinVar (database versions not stated): gnomAD exomes below 0.00001 and 0.00001; gnomAD 0.00001; TOPMed 0.00001; ExAC 0.00002.
gnomAD v4.1: 6 of 1,612,958 alleles (0.00037%); highest among the groups gnomAD compares: African/African-American, 0.0013%; no homozygotes.

Submission:

Labcorp Genetics (formerly Invitae), Labcorp
Classification: Uncertain significance for Autosomal dominant nocturnal frontal lobe epilepsy 5; Developmental and epileptic encephalopathy, 14. Last evaluated: 2023-10-06. Review status: criteria provided, single submitter. Criteria: Invitae Variant Classification Sherloc (09022015). Collection method: clinical testing. Allele origin: germline.
Comment: This sequence change replaces arginine, which is basic and polar, with glutamine, which is neutral and polar, at codon 116 of the KCNT1 protein (p.Arg116Gln). This variant is present in population databases (rs748873120, gnomAD 0.002%). This variant has not been reported in the literature in individuals affected with KCNT1-related conditions. ClinVar contains an entry for this variant (Variation ID: 1398707). Advanced modeling of protein sequence and biophysical properties (such as structural, functional, and spatial information, amino acid conservation, physicochemical variation, residue mobility, and thermodynamic stability) performed at Invitae indicates that this missense variant is not expected to disrupt KCNT1 protein function. In summary, the available evidence is currently insufficient to determine the role of this variant in disease. Therefore, it has been classified as a Variant of Uncertain Significance.

NM_020822.3(KCNT1):c.347G>A (p.Arg116Gln)

Gene: KCNT1 (potassium sodium-activated channel subfamily T member 1; plus strand). Cytogenetic location: 9q34.3.
Variant type: single nucleotide variant.
Coding change: c.347G>A on transcript NM_020822.3 (MANE Select); coding-DNA position 347, G replaced by A.
Protein change: p.Arg116Gln; replaces arginine 116 with glutamine.
Molecular consequence: missense variant.
Genome position (GRCh38, 1-based): chr9:135,750,954, G>A. VCF-style: chr9-135750954-G-A. GRCh37 (hg19) VCF-style: chr9-138642800-G-A.
Other names: c.203G>A, p.Arg68Gln (NM_001272003.2); short protein forms R68Q, R116Q.
Identifiers: ClinVar variation 1398707 (VCV001398707.6), dbSNP rs748873120, ClinGen allele CA5326392.
Genomic context (GRCh38, chr9:135,750,954, plus strand): 5'-GAAGCCCAGAGCTGGGTCAGAGCCCTGAGGCCGCTGCCCTCCCCGCAGGCCTGAGGATCC[G>A]GCTGTTCAACTTCTCCCTGAAGCTGCTCACCTGCCTGCTCTACATTGTGCGCGTCCTGCT-3'
Protein context (NP_065873.2, residues 106-126): IKNQRSSLRI[Arg116Gln]LFNFSLKLLT